The following is an entry in ClinVar:

ClinVar aggregate classification (germline): Likely pathogenic (1 of 4 stars; one submission).

Submission:

Labcorp Genetics (formerly Invitae), Labcorp
Classification: Likely pathogenic. Last evaluated: 2021-12-13. Review status: criteria provided, single submitter. Criteria: Invitae Variant Classification Sherloc (09022015). Collection method: clinical testing. Allele origin: germline.
Comment: In summary, the currently available evidence indicates that the variant is pathogenic, but additional data are needed to prove that conclusively. Therefore, this variant has been classified as Likely Pathogenic. Algorithms developed to predict the effect of sequence changes on RNA splicing suggest that this variant may disrupt the consensus splice site. This variant has not been reported in the literature in individuals affected with ADGRV1-related conditions. This variant is not present in population databases (gnomAD no frequency). This sequence change affects an acceptor splice site in intron 75 of the ADGRV1 gene. It is expected to disrupt RNA splicing. Variants that disrupt the donor or acceptor splice site typically lead to a loss of protein function (PMID: 16199547), and loss-of-function variants in ADGRV1 are known to be pathogenic (PMID: 19357117, 22135276, 22147658, 26226137, 26667666, 30029497, 32467589).

Literature cited by the submitters: PubMed 16199547; PubMed 19357117; PubMed 22135276; PubMed 22147658; PubMed 26226137; PubMed 26667666; PubMed 30029497; PubMed 32467589.

NM_032119.4(ADGRV1):c.16197-1G>A

Gene: ADGRV1 (adhesion G protein-coupled receptor V1; plus strand). Cytogenetic location: 5q14.3.
Variant type: single nucleotide variant.
Coding change: c.16197-1G>A on transcript NM_032119.4 (MANE Select); the canonical splice acceptor site of the intron before coding-DNA position 16197, G replaced by A.
Molecular consequence: splice acceptor variant.
Genome position (GRCh38, 1-based): chr5:90,823,424, G>A. VCF-style: chr5-90823424-G-A. GRCh37 (hg19) VCF-style: chr5-90119241-G-A.
Identifiers: ClinVar variation 1471807 (VCV001471807.6), dbSNP rs1561805689, ClinGen allele CA360425434.